The following is an entry in ClinVar:

NM_014633.5(CTR9):c.1978A>G (p.Lys660Glu)

Gene: CTR9 (CTR9 component of Paf1/RNA polymerase II complex; plus strand). Cytogenetic location: 11p15.4.
Variant type: single nucleotide variant.
Coding change: c.1978A>G on transcript NM_014633.5 (MANE Select); coding-DNA position 1978, A replaced by G.
Protein change: p.Lys660Glu; replaces lysine 660 with glutamic acid.
Molecular consequence: missense variant.
Genome position (GRCh38, 1-based): chr11:10,768,360, A>G. VCF-style: chr11-10768360-A-G. GRCh37 (hg19) VCF-style: chr11-10789907-A-G.
Other names: c.1978A>G, p.Lys660Glu (NM_001346279.2); short protein forms K660E.
Identifiers: ClinVar variation 2416947 (VCV002416947.6), dbSNP rs2539384950, ClinGen allele CA379674092.

ClinVar aggregate classification (germline): Uncertain significance (1 of 4 stars; one submission).

Submission:

Labcorp Genetics (formerly Invitae), Labcorp
Classification: Uncertain significance. Last evaluated: 2024-01-02. Review status: criteria provided, single submitter. Criteria: Invitae Variant Classification Sherloc (09022015). Collection method: clinical testing. Allele origin: germline.
Comment: This sequence change replaces lysine, which is basic and polar, with glutamic acid, which is acidic and polar, at codon 660 of the CTR9 protein (p.Lys660Glu). This variant is not present in population databases (gnomAD no frequency). This variant has not been reported in the literature in individuals affected with CTR9-related conditions. ClinVar contains an entry for this variant (Variation ID: 2416947). An algorithm developed to predict the effect of missense changes on protein structure and function (PolyPhen-2) suggests that this variant is likely to be disruptive. In summary, the available evidence is currently insufficient to determine the role of this variant in disease. Therefore, it has been classified as a Variant of Uncertain Significance.